The following is an entry in ClinVar:

ClinVar aggregate classification (germline): Uncertain significance (1 of 4 stars; one submission).

Submission:

GeneDx
Classification: Uncertain significance. Last evaluated: 2021-04-19. Review status: criteria provided, single submitter. Criteria: GeneDx Variant Classification Process June 2021. Collection method: clinical testing. Allele origin: germline. Affected: yes.
Comment: Not observed in large population cohorts (Lek et al., 2016); In silico analysis supports that this variant does not alter splicing; Has not been previously published as pathogenic or benign to our knowledge

NM_006852.6(TLK2):c.2080-3C>T

Gene: TLK2 (tousled like kinase 2; plus strand). Cytogenetic location: 17q23.2.
Variant type: single nucleotide variant.
Coding change: c.2080-3C>T on transcript NM_006852.6 (MANE Select); 3 bases into the intron before coding-DNA position 2080, C replaced by T.
Molecular consequence: intron variant.
Genome position (GRCh38, 1-based): chr17:62,612,389, C>T. VCF-style: chr17-62612389-C-T. GRCh37 (hg19) VCF-style: chr17-60689750-C-T.
Other names: c.2080-3C>T (NM_001375271.1, NM_001375270.1); c.1633-3C>T (NM_001375273.1, NM_001330418.3); c.1984-3C>T (NM_001375272.1, NM_001284363.1); c.2146-3C>T (NM_001284333.3); c.2122-3C>T (NM_001375269.1).
Identifiers: ClinVar variation 1308849 (VCV001308849.2), dbSNP rs2083873943, ClinGen allele CA2573054534.